The following is an entry in ClinVar:

ClinVar aggregate classification (germline): Uncertain significance (1 of 4 stars; one submission).

Allele frequency attached by ClinVar (database versions not stated): gnomAD 0.00001; ExAC 0.00005; TOPMed 0.00005.

Submission:

Labcorp Genetics (formerly Invitae), Labcorp
Classification: Uncertain significance. Last evaluated: 2022-09-06. Review status: criteria provided, single submitter. Criteria: Invitae Variant Classification Sherloc (09022015). Collection method: clinical testing. Allele origin: germline.
Comment: This variant has not been reported in the literature in individuals affected with SLC19A1-related conditions. In summary, the available evidence is currently insufficient to determine the role of this variant in disease. Therefore, it has been classified as a Variant of Uncertain Significance. Algorithms developed to predict the effect of missense changes on protein structure and function output the following: SIFT: "Tolerated"; PolyPhen-2: "Benign"; Align-GVGD: "Class C0". The leucine amino acid residue is found in multiple mammalian species, which suggests that this missense change does not adversely affect protein function. This variant is present in population databases (rs769040907, gnomAD 0.01%). This sequence change replaces proline, which is neutral and non-polar, with leucine, which is neutral and non-polar, at codon 500 of the SLC19A1 protein (p.Pro500Leu).

NM_194255.4(SLC19A1):c.1499C>T (p.Pro500Leu)

Gene: SLC19A1 (solute carrier family 19 member 1; minus strand). Cytogenetic location: 21q22.3.
Variant type: single nucleotide variant.
Coding change: c.1499C>T on transcript NM_194255.4 (MANE Select); coding-DNA position 1499, C replaced by T.
Protein change: p.Pro500Leu; replaces proline 500 with leucine.
Molecular consequence: missense variant. On other transcripts: intron variant (2).
Genome position (GRCh38, 1-based): chr21:45,515,935, G>A on the plus strand (C>T on the coding strand, the complement: SLC19A1 is on the minus strand). VCF-style: chr21-45515935-G-A. GRCh37 (hg19) VCF-style: chr21-46935849-G-A.
Other names: c.1379C>T, p.Pro460Leu (NM_001205207.3); c.1145C>T, p.Pro382Leu (NM_001352510.2); c.1499C>T, p.Pro500Leu (NM_001352512.2); c.1294-783C>T (NM_001352511.3, NM_001205206.4); short protein forms P460L, P500L, P382L.
Identifiers: ClinVar variation 2040892 (VCV002040892.3), dbSNP rs769040907, ClinGen allele CA10068275.